The following is an entry in ClinVar:

NM_002907.4(RECQL):c.934T>C (p.Tyr312His)

Gene: RECQL (RecQ like helicase; minus strand). Cytogenetic location: 12p12.1.
Variant type: single nucleotide variant.
Coding change: c.934T>C on transcript NM_002907.4 (MANE Select); coding-DNA position 934, T replaced by C.
Protein change: p.Tyr312His; replaces tyrosine 312 with histidine.
Molecular consequence: missense variant.
Genome position (GRCh38, 1-based): chr12:21,476,926, A>G on the plus strand (T>C on the coding strand, the complement: RECQL is on the minus strand). VCF-style: chr12-21476926-A-G. GRCh37 (hg19) VCF-style: chr12-21629860-A-G.
Other names: c.934T>C, p.Tyr312His (NM_032941.3); short protein forms Y312H.
Identifiers: ClinVar variation 1766664 (VCV001766664.2), dbSNP rs757070119, ClinGen allele CA6478919.
Genomic context (GRCh38, chr12:21,476,926, plus strand): 5'-TTGAAAGTTATCTCTGTCTCCAAAGTTGGTTTGTTTTTACATTACCTGATTGCCCTTTGT[A>G]TCTCCCATTAATGAGCTTTACAATATCCTCAATAAAATCTTCAGTGTTTGAGGGCTTCTG-3'
Protein context (NP_002898.2, residues 302-322): EDIVKLINGR[Tyr312His]KGQSGIIYCF

ClinVar aggregate classification (germline): Uncertain significance (1 of 4 stars; one submission).

Allele frequency attached by ClinVar (database versions not stated): gnomAD exomes below 0.00001; ExAC 0.00001; gnomAD 0.00001; TOPMed 0.00001.
gnomAD v4.1: 4 of 1,607,710 alleles (0.00025%); highest among the groups gnomAD compares: African/African-American, 0.0027%; no homozygotes.

Submission:

Ambry Genetics
Classification: Uncertain significance. Last evaluated: 2023-12-22. Review status: criteria provided, single submitter. Criteria: Ambry Variant Classification Scheme 2023. Collection method: clinical testing. Allele origin: germline.
Comment: The p.Y312H variant (also known as c.934T>C), located in coding exon 7 of the RECQL gene, results from a T to C substitution at nucleotide position 934. The tyrosine at codon 312 is replaced by histidine, an amino acid with similar properties. This amino acid position is conserved. In addition, the in silico prediction for this alteration is inconclusive. Since supporting evidence is limited at this time, the clinical significance of this alteration remains unclear.